The following is an entry in ClinVar:

NM_000789.4(ACE):c.2655G>A (p.Ala885=)

Gene: ACE (angiotensin I converting enzyme; plus strand). Cytogenetic location: 17q23.3.
Variant type: single nucleotide variant.
Coding change: c.2655G>A on transcript NM_000789.4 (MANE Select); coding-DNA position 2655, G replaced by A.
Protein change: p.Ala885=; no amino-acid change (alanine 885 retained).
Molecular consequence: synonymous variant. On other transcripts: non-coding transcript variant (1).
Genome position (GRCh38, 1-based): chr17:63,490,967, G>A. VCF-style: chr17-63490967-G-A. GRCh37 (hg19) VCF-style: chr17-61568328-G-A.
Other names: c.933G>A, p.Ala311= (NM_001178057.2, NM_152830.3); c.2088G>A, p.Ala696= (NM_001382700.1); c.1803G>A, p.Ala601= (NM_001382701.1); c.393G>A, p.Ala131= (NM_001382702.1).
Identifiers: ClinVar variation 3034518 (VCV003034518.3), dbSNP rs775546287, ClinGen allele CA8700197.

ClinVar aggregate classification (germline): Likely benign. Review status: criteria provided, single submitter (1 of 4 stars). 2 submissions from 2 submitters: Likely benign (1). 1 of the submissions does not count toward it. Last evaluated 2025-07-14.

Conditions:
ACE-related disorder. Also called: ACE-related condition; ACE-related disorders.

Allele frequency attached by ClinVar (database versions not stated): ExAC 0.00001; gnomAD 0.00002; gnomAD exomes 0.00002; TOPMed 0.00003.
gnomAD v4.1: 37 of 1,614,072 alleles (0.0023%); highest among the groups gnomAD compares: East Asian, 0.0045%; no homozygotes.

Submissions (2):

Labcorp Genetics (formerly Invitae), Labcorp
Classification: Likely benign. Last evaluated: 2025-07-14. Review status: criteria provided, single submitter. Criteria: Invitae Variant Classification Sherloc (09022015). Collection method: clinical testing. Allele origin: germline.

PreventionGenetics, part of Exact Sciences
Classification: Likely benign for ACE-related condition. Last evaluated: 2019-08-08. Review status: no assertion criteria provided. Collection method: clinical testing. Allele origin: germline. Not counted in ClinVar's aggregate classification.
Comment: This variant is classified as likely benign based on ACMG/AMP sequence variant interpretation guidelines (Richards et al. 2015 PMID: 25741868, with internal and published modifications).